The following is an entry in ClinVar:

ClinVar aggregate classification (germline): Uncertain significance (1 of 4 stars; one submission).

Conditions:
Usher syndrome type 3B. Also called: USHER SYNDROME, TYPE IIIB. Identifiers: MedGen C3281066, MONDO:0013788, OMIM 614504.

Submission:

Labcorp Genetics (formerly Invitae), Labcorp
Classification: Uncertain significance for Usher syndrome type 3B. Last evaluated: 2021-07-07. Review status: criteria provided, single submitter. Criteria: Invitae Variant Classification Sherloc (09022015). Collection method: clinical testing. Allele origin: germline.
Comment: Algorithms developed to predict the effect of missense changes on protein structure and function output the following: SIFT: "Tolerated"; PolyPhen-2: "Benign"; Align-GVGD: "Class C0". The histidine amino acid residue is found in multiple mammalian species, suggesting that this missense change does not adversely affect protein function. These predictions have not been confirmed by published functional studies and their clinical significance is uncertain. In summary, the available evidence is currently insufficient to determine the role of this variant in disease. Therefore, it has been classified as a Variant of Uncertain Significance. This variant has not been reported in the literature in individuals with HARS-related conditions. This sequence change replaces glutamine with histidine at codon 395 of the HARS protein (p.Gln395His). The glutamine residue is moderately conserved and there is a small physicochemical difference between glutamine and histidine. This variant is not present in population databases (ExAC no frequency).

NM_002109.6(HARS1):c.1185G>C (p.Gln395His)

Gene: HARS1 (histidyl-tRNA synthetase 1; minus strand). Cytogenetic location: 5q31.3.
Variant type: single nucleotide variant.
Coding change: c.1185G>C on transcript NM_002109.6 (MANE Select); coding-DNA position 1185, G replaced by C.
Protein change: p.Gln395His; replaces glutamine 395 with histidine.
Molecular consequence: missense variant.
Genome position (GRCh38, 1-based): chr5:140,676,663, C>G on the plus strand (G>C on the coding strand, the complement: HARS1 is on the minus strand). VCF-style: chr5-140676663-C-G. GRCh37 (hg19) VCF-style: chr5-140056248-C-G.
Other names: c.1065G>C, p.Gln355His (NM_001258040.3); c.1125G>C, p.Gln375His (NM_001258041.3); c.1005G>C, p.Gln335His (NM_001258042.3); c.963G>C, p.Gln321His (NM_001289092.2); c.843G>C, p.Gln281His (NM_001289093.2); c.1098G>C, p.Gln366His (NM_001289094.2); short protein forms Q281H, Q321H, Q335H, Q355H, Q366H, Q375H, Q395H.
Identifiers: ClinVar variation 1680300 (VCV001680300.8), dbSNP rs546882914, ClinGen allele CA361250431.
Genomic context (GRCh38, chr5:140,676,663, plus strand): 5'-TAGGTGCCACCACCTGCTCAGACTATCTTCTACCTACCTCCTAGGACCTACCTCTAGTCT[C>G]TGTTCCACGATGGAGAAAATCCGCTCCACCCCAATGCTGAGCCCCACACATGGCACCTTG-3'
Protein context (NP_002100.2, residues 385-405): GVERIFSIVE[Gln395His]RLEALEEKIR